The following is an entry in ClinVar:

ClinVar aggregate classification (germline): Uncertain significance (1 of 4 stars; one submission).

gnomAD v4.1: 29 of 1,613,638 alleles (0.0018%); highest among the groups gnomAD compares: Non-Finnish European, 0.002%; no homozygotes.

Submission:

Women's Health and Genetics/Laboratory Corporation of America, LabCorp
Classification: Uncertain significance. Last evaluated: 2026-01-06. Review status: criteria provided, single submitter. Criteria: LabCorp Variant Classification Summary - May 2015. Collection method: clinical testing. Allele origin: germline.
Comment: Variant summary: VWA3B c.221C>T (p.Pro74Leu) results in a non-conservative amino acid change in the encoded protein sequence. Algorithms developed to predict the effect of missense changes on protein structure and function are either unavailable or do not agree on the potential impact of this missense change. The variant allele was found at a frequency of 3.6e-05 in 249344 control chromosomes (gnomAD v2.1). The available data on variant occurrences in the general population are insufficient to allow any conclusion about variant significance. To our knowledge, no occurrence of c.221C>T in individuals affected with VWA3B-related conditions and no experimental evidence demonstrating its impact on protein function have been reported. No submitters have cited clinical-significance assessments for this variant to ClinVar. Based on the evidence outlined above, the variant was classified as uncertain significance.

NM_144992.5(VWA3B):c.221C>T (p.Pro74Leu)

Gene: VWA3B (von Willebrand factor A domain containing 3B; plus strand). Cytogenetic location: 2q11.2.
Variant type: single nucleotide variant.
Coding change: c.221C>T on transcript NM_144992.5 (MANE Select); coding-DNA position 221, C replaced by T.
Protein change: p.Pro74Leu; replaces proline 74 with leucine.
Molecular consequence: missense variant. On other transcripts: non-coding transcript variant (3).
Genome position (GRCh38, 1-based): chr2:98,115,676, C>T. VCF-style: chr2-98115676-C-T. GRCh37 (hg19) VCF-style: chr2-98732139-C-T.
Other names: short protein forms P74L.
Identifiers: ClinVar variation 4689611 (VCV004689611.1).